The following is an entry in ClinVar:

NM_001267550.2(TTN):c.104821G>A (p.Ala34941Thr)

Genes: TTN (titin; minus strand), TTN-AS1 (TTN antisense RNA 1; plus strand). Cytogenetic location: 2q31.2.
Variant type: single nucleotide variant.
Coding change: c.104821G>A on transcript NM_001267550.2 (MANE Select); coding-DNA position 104821, G replaced by A.
Protein change: p.Ala34941Thr; replaces alanine 34941 with threonine.
Molecular consequence: missense variant.
Genome position (GRCh38, 1-based): chr2:178,531,794, C>T on the plus strand (G>A on the coding strand, the complement: TTN is on the minus strand). VCF-style: chr2-178531794-C-T. GRCh37 (hg19) VCF-style: chr2-179396521-C-T.
Other names: c.99898G>A, p.Ala33300Thr (NM_001256850.1); c.77626G>A, p.Ala25876Thr (NM_003319.4); c.97117G>A, p.Ala32373Thr (NM_133378.4); c.78001G>A, p.Ala26001Thr (NM_133432.3); c.78202G>A, p.Ala26068Thr (NM_133437.4); short protein forms A33300T, A25876T, A32373T, A34941T, A26001T, A26068T.
Identifiers: ClinVar variation 1449106 (VCV001449106.6), dbSNP rs1484852266, ClinGen allele CA349410829.

ClinVar aggregate classification (germline): Uncertain significance (1 of 4 stars; one submission).

Conditions:
Dilated cardiomyopathy 1G (CMD1G). Identifiers: Orphanet 154, MedGen C1858763, MONDO:0011400, OMIM 604145.
Autosomal recessive limb-girdle muscular dystrophy type 2J (LGMDR10). Also called: MUSCULAR DYSTROPHY, LIMB-GIRDLE, AUTOSOMAL RECESSIVE 10; Limb-girdle muscular dystrophy, type 2J. Identifiers: Orphanet 140922, MedGen C1837342, MONDO:0012127, OMIM 608807.

Allele frequency attached by ClinVar (database versions not stated): gnomAD exomes below 0.00001; TOPMed below 0.00001; gnomAD 0.00001.

Submission:

Labcorp Genetics (formerly Invitae), Labcorp
Classification: Uncertain significance for Dilated cardiomyopathy 1G; Autosomal recessive limb-girdle muscular dystrophy type 2J. Last evaluated: 2025-01-08. Review status: criteria provided, single submitter. Criteria: Invitae Variant Classification Sherloc (09022015). Collection method: clinical testing. Allele origin: germline.
Comment: This sequence change replaces alanine, which is neutral and non-polar, with threonine, which is neutral and polar, at codon 34941 of the TTN protein (p.Ala34941Thr). This variant is not present in population databases (gnomAD no frequency). This variant has not been reported in the literature in individuals affected with TTN-related conditions. ClinVar contains an entry for this variant (Variation ID: 1449106). Experimental studies and prediction algorithms are not available or were not evaluated, and the functional significance of this variant is currently unknown. This variant is located in the M band of TTN (PMID: 25589632). Non-truncating variants in this region may be relevant for neuromuscular disorders, but have not been definitively shown to cause cardiomyopathy (PMID: 23975875). In summary, the available evidence is currently insufficient to determine the role of this variant in disease. Therefore, it has been classified as a Variant of Uncertain Significance.

Literature cited by the submitters: PubMed 25589632; PubMed 23975875.